The following is an entry in ClinVar:

ClinVar aggregate classification (germline): Uncertain significance (1 of 4 stars; one submission).

Conditions:
Inborn genetic diseases. Identifiers: MedGen C0950123, MeSH D030342.

Submission:

Ambry Genetics
Classification: Uncertain significance for Inborn genetic diseases. Last evaluated: 2021-10-06. Review status: criteria provided, single submitter. Criteria: Ambry Variant Classification Scheme 2023. Collection method: clinical testing. Allele origin: germline.
Comment: The p.H1224N variant (also known as c.3670C>A), located in coding exon 19 of the ATR gene, results from a C to A substitution at nucleotide position 3670. The histidine at codon 1224 is replaced by asparagine, an amino acid with similar properties. This amino acid position is conserved. In addition, this alteration is predicted to be tolerated by in silico analysis. Since supporting evidence is limited at this time, the clinical significance of this alteration remains unclear.

NM_001184.4(ATR):c.3670C>A (p.His1224Asn)

Gene: ATR (ATR checkpoint kinase; minus strand). Cytogenetic location: 3q23.
Variant type: single nucleotide variant.
Coding change: c.3670C>A on transcript NM_001184.4 (MANE Select); coding-DNA position 3670, C replaced by A.
Protein change: p.His1224Asn; replaces histidine 1224 with asparagine.
Molecular consequence: missense variant.
Genome position (GRCh38, 1-based): chr3:142,538,537, G>T on the plus strand (C>A on the coding strand, the complement: ATR is on the minus strand). VCF-style: chr3-142538537-G-T. GRCh37 (hg19) VCF-style: chr3-142257379-G-T.
Other names: c.3478C>A, p.His1160Asn (NM_001354579.2); short protein forms H1224N, H1160N.
Identifiers: ClinVar variation 1733789 (VCV001733789.2), dbSNP rs2108432450, ClinGen allele CA354807485.
Genomic context (GRCh38, chr3:142,538,537, plus strand): 5'-AATACCTGTTTTCAATTATGAGGTAGTGGAAGATAGCTGCAGTTTCTTTAGGCTGGATGT[G>T]TATAAGAGGTAACAAAGCTACTATTACATGACTGAGAAGGGAGCCCAGACAAGCATGATC-3'
Protein context (NP_001175.2, residues 1214-1234): HVIVALLPLI[His1224Asn]IQPKETAAIF